The following is an entry in ClinVar:

ClinVar aggregate classification (germline): Uncertain significance. Review status: criteria provided, multiple submitters, no conflicts (2 of 4 stars). 3 submissions from 3 submitters: Uncertain significance (3). Last evaluated 2026-08-04.

Conditions:
Duchenne muscular dystrophy (DMD). Also called: MUSCULAR DYSTROPHY, PSEUDOHYPERTROPHIC PROGRESSIVE, DUCHENNE TYPE; Duchenne Muscular Dystrophy (DMD). Identifiers: Orphanet 98896, MedGen C0013264, MONDO:0010679, OMIM 310200.
Cardiovascular phenotype. Identifiers: MedGen CN230736.

Submissions (3):

Ambry Genetics
Classification: Uncertain significance for Cardiovascular phenotype. Last evaluated: 2026-08-04. Review status: criteria provided, single submitter. Criteria: Ambry Variant Classification Scheme 2023. Collection method: clinical testing. Allele origin: germline.

Labcorp Genetics (formerly Invitae), Labcorp
Classification: Uncertain significance for Duchenne muscular dystrophy. Last evaluated: 2024-04-17. Review status: criteria provided, single submitter. Criteria: Invitae Variant Classification Sherloc (09022015). Collection method: clinical testing. Allele origin: germline.
Comment: This sequence change replaces isoleucine, which is neutral and non-polar, with threonine, which is neutral and polar, at codon 1302 of the DMD protein (p.Ile1302Thr). This variant is not present in population databases (gnomAD no frequency). This variant has not been reported in the literature in individuals affected with DMD-related conditions. Advanced modeling of protein sequence and biophysical properties (such as structural, functional, and spatial information, amino acid conservation, physicochemical variation, residue mobility, and thermodynamic stability) performed at Invitae indicates that this missense variant is not expected to disrupt DMD protein function with a negative predictive value of 95%. In summary, the available evidence is currently insufficient to determine the role of this variant in disease. Therefore, it has been classified as a Variant of Uncertain Significance.

Revvity Omics, Revvity
Classification: Uncertain significance. Last evaluated: 2023-02-06. Review status: criteria provided, single submitter. Criteria: ACMG Guidelines, 2015. Collection method: clinical testing. Allele origin: germline.

NM_004006.3(DMD):c.3905T>C (p.Ile1302Thr)

Gene: DMD (dystrophin; minus strand). Cytogenetic location: Xp21.1.
Variant type: single nucleotide variant.
Coding change: c.3905T>C on transcript NM_004006.3 (MANE Select); coding-DNA position 3905, T replaced by C.
Protein change: p.Ile1302Thr; replaces isoleucine 1302 with threonine.
Molecular consequence: missense variant.
Genome position (GRCh38, 1-based): chrX:32,441,196, A>G on the plus strand (T>C on the coding strand, the complement: DMD is on the minus strand). VCF-style: chrX-32441196-A-G. GRCh37 (hg19) VCF-style: chrX-32459313-A-G.
Other names: c.3881T>C, p.Ile1294Thr (NM_000109.4); c.3893T>C, p.Ile1298Thr (NM_004009.3); c.3536T>C, p.Ile1179Thr (NM_004010.3); short protein forms I1179T, I1294T, I1298T, I1302T.
Identifiers: ClinVar variation 2688950 (VCV002688950.6), dbSNP rs2524124580, ClinGen allele CA412670179.
Genomic context (GRCh38, chrX:32,441,196, plus strand): 5'-TACTGCATATAAATTATCATCATTTGGCTTAATTTACAACTTACATCTAGCACCTCAGAG[A>G]TTTCCTCAGCTCCGCCAGGAATGTTTTCAGTGGTTTTAAGTTTAAATTCTACTTCATTTA-3'
Protein context (NP_003997.2, residues 1292-1312): TENIPGGAEE[Ile1302Thr]SEVLDSLENL